The following is an entry in ClinVar:

NM_152513.4(MEI1):c.1992C>G (p.Pro664=)

Gene: MEI1 (meiotic double-stranded break formation protein 1; plus strand). Cytogenetic location: 22q13.2.
Variant type: single nucleotide variant.
Coding change: c.1992C>G on transcript NM_152513.4 (MANE Select); coding-DNA position 1992, C replaced by G.
Protein change: p.Pro664=; no amino-acid change (proline 664 retained).
Molecular consequence: synonymous variant.
Genome position (GRCh38, 1-based): chr22:41,758,405, C>G. VCF-style: chr22-41758405-C-G. GRCh37 (hg19) VCF-style: chr22-42154409-C-G.
Identifiers: ClinVar variation 3039974 (VCV003039974.2), dbSNP rs370762110, ClinGen allele CA10260385.

ClinVar aggregate classification (germline): Likely benign (0 of 4 stars; one submission).

Conditions:
MEI1-related disorder. Also called: MEI1-related condition.

Allele frequency attached by ClinVar (database versions not stated): 1000 Genomes Project 0.00080; ESP Exome Variant Server 0.00098; 1000 Genomes Project 30x 0.00109.
gnomAD v4.1: 209 of 1,613,840 alleles (0.013%); highest among the groups gnomAD compares: African/African-American, 0.24%; no homozygotes.

Submission:

PreventionGenetics, part of Exact Sciences
Classification: Likely benign for MEI1-related condition. Last evaluated: 2019-04-05. Review status: no assertion criteria provided. Collection method: clinical testing. Allele origin: germline.
Comment: This variant is classified as likely benign based on ACMG/AMP sequence variant interpretation guidelines (Richards et al. 2015 PMID: 25741868, with internal and published modifications).